The following is an entry in ClinVar:

ClinVar aggregate classification (germline): Pathogenic (1 of 4 stars; one submission).

Conditions:
Dystonia 5 (DRD). Also called: GTP Cyclohydrolase 1-Deficient Dopa-Responsive Dystonia; DYSTONIA, PROGRESSIVE, WITH DIURNAL VARIATION; DYSTONIA-PARKINSONISM WITH DIURNAL FLUCTUATION; Dystonia, DOPA-responsive, with or without hyperphenylalaninemia; DYT-GCH1. Identifiers: Orphanet 98808, MedGen C1851920, MONDO:0007495, OMIM 128230.

Submission:

3billion
Classification: Pathogenic for Dystonia 5. Last evaluated: 2023-02-23. Review status: criteria provided, single submitter. Criteria: ACMG Guidelines, 2015. Collection method: clinical testing. Allele origin: unknown. Affected: yes.
Comment: The variant is not observed in the gnomAD v2.1.1 dataset. This variant was predicted to result in a loss or disruption of normal protein function through nonsense-mediated decay (NMD) or protein truncation. Multiple pathogenic variants are reported downstream of the variant. The variant has been reported to be associated with GCH1 related disorder (PMID: 9585358). Therefore, this variant is classified as Pathogenic according to the recommendation of ACMG/AMP guideline.

Literature cited by the submitters: PubMed 9585358.

NM_000161.3(GCH1):c.544C>T (p.Gln182Ter)

Gene: GCH1 (GTP cyclohydrolase 1; minus strand). Cytogenetic location: 14q22.2.
Variant type: single nucleotide variant.
Coding change: c.544C>T on transcript NM_000161.3 (MANE Select); coding-DNA position 544, C replaced by T.
Protein change: p.Gln182Ter; replaces glutamine 182 with a stop codon.
Molecular consequence: nonsense.
Genome position (GRCh38, 1-based): chr14:54,845,850, G>A on the plus strand (C>T on the coding strand, the complement: GCH1 is on the minus strand). VCF-style: chr14-54845850-G-A. GRCh37 (hg19) VCF-style: chr14-55312568-G-A.
Other names: c.544C>T, p.Gln182Ter (NM_001024024.2, NM_001024070.2, NM_001024071.2); short protein forms Q182*.
Identifiers: ClinVar variation 2444362 (VCV002444362.1), dbSNP rs2504343638, ClinGen allele CA389787421.
Genomic context (GRCh38, chr14:54,845,850, plus strand): 5'-CTCCAGCAGGCCGCAAGGCTTCCGTGATTGCTACAGCAATTTGTTTTGTAAGGCGCTCCT[G>A]AACTGTGGATGTGATAAGGAGCTCAGTTTGAGAGTCTGACACAAACAGCTGGAAGCTTTT-3'